The following is an entry in ClinVar:

NM_031263.4(HNRNPK):c.440T>A (p.Leu147Ter)

Genes: HNRNPK (heterogeneous nuclear ribonucleoprotein K; minus strand), HNRNPK-AS1 (HNRNPK antisense RNA 1; plus strand). Cytogenetic location: 9q21.32.
Variant type: single nucleotide variant.
Coding change: c.440T>A on transcript NM_031263.4 (MANE Select); coding-DNA position 440, T replaced by A.
Protein change: p.Leu147Ter; replaces leucine 147 with a stop codon.
Molecular consequence: nonsense.
Genome position (GRCh38, 1-based): chr9:83,973,362, A>T on the plus strand (T>A on the coding strand, the complement: HNRNPK is on the minus strand). VCF-style: chr9-83973362-A-T. GRCh37 (hg19) VCF-style: chr9-86588277-A-T.
Other names: c.368T>A, p.Leu123Ter (NM_001318186.2, NM_001318187.2); c.440T>A, p.Leu147Ter (NM_001318188.2, NM_002140.5, NM_031262.4); short protein forms L123*, L147*.
Identifiers: ClinVar variation 1805748 (VCV001805748.1), dbSNP rs2491985651, ClinGen allele CA373927480.

ClinVar aggregate classification (germline): Pathogenic (1 of 4 stars; one submission).

Conditions:
Au-Kline syndrome. Also called: Neurodevelopmental disorder-craniofacial dysmorphism-cardiac defect-hip dysplasia syndrome due to a point mutation; Okamoto syndrome. Identifiers: Orphanet 2729, Orphanet 453499, Orphanet 453504, MedGen C4225274, MONDO:0014700, OMIM 616580.

Submission:

Victorian Clinical Genetics Services, Murdoch Childrens Research Institute
Classification: Pathogenic for Au-Kline syndrome. Last evaluated: 2020-05-21. Review status: criteria provided, single submitter. Criteria: ACMG Guidelines, 2015. Collection method: clinical testing. Allele origin: germline. Inheritance: Autosomal dominant inheritance. Affected: yes.
Comment: Based on the classification scheme VCGS_Germline_v1.1.1, this variant is classified as Pathogenic. Following criteria are met: 0102 - Loss-of-function is a known mechanism of disease for this gene. . Multiple NMD-predicted variants have previously been reported in this gene (ClinVar). (N) 0107 - This gene is known to be associated with autosomal dominant disease. (N) 0201 - Variant is predicted to cause nonsense-mediated decay (NMD) and loss of protein (exon 9 of 17). (P) 0251 - Variant is heterozygous. (N) 0301 - Variant is absent from gnomAD. (P) 0702 - Comparable variants have strong previous evidence for pathogenicity. Multiple NMD-predicted variants have been reported pathogenic in clinical cases (ClinVar). (P) 0807 - Variant has not previously been reported in a clinical context. (N) 0905 - No segregation evidence has been identified for this variant. (N) 1007 - No published functional evidence has been identified for this variant. (N) 1208 - Inheritance information for this variant is not currently available. (N) Legend: (P) - Pathogenic, (N) - Neutral, (B) - Benign